The following is an entry in ClinVar:

ClinVar aggregate classification (germline): Benign. Review status: criteria provided, multiple submitters, no conflicts (2 of 4 stars). 2 submissions from 2 submitters: Benign (2). Last evaluated 2018-06-14.

Allele frequency attached by ClinVar (database versions not stated): 1000 Genomes Project 30x 0.01499; 1000 Genomes Project 0.01518; TOPMed 0.02924; gnomAD 0.03376 and 0.03495.
gnomAD v4.1: 5,173 of 152,296 alleles (3.4%); highest among the groups gnomAD compares: Middle Eastern, 5.4%; 137 homozygotes.

Submissions (2):

GeneDx
Classification: Benign. Last evaluated: 2018-06-14. Review status: criteria provided, single submitter. Criteria: GeneDx Variant Classification (06012015). Collection method: clinical testing. Allele origin: germline. Affected: yes.
Comment: This variant is considered likely benign or benign based on one or more of the following criteria: it is a conservative change, it occurs at a poorly conserved position in the protein, it is predicted to be benign by multiple in silico algorithms, and/or has population frequency not consistent with disease.

Breakthrough Genomics
Classification: Benign. Review status: criteria provided, single submitter. Criteria: ACMG Guidelines, 2015. Collection method: not provided. Allele origin: germline. Inheritance: Autosomal dominant inheritance. Affected: yes.

NM_000093.5(COL5A1):c.4231-228G>A

Gene: COL5A1 (collagen type V alpha 1 chain; plus strand). Cytogenetic location: 9q34.3.
Variant type: single nucleotide variant.
Coding change: c.4231-228G>A on transcript NM_000093.5 (MANE Select); 228 bases into the intron before coding-DNA position 4231, G replaced by A.
Molecular consequence: intron variant.
Genome position (GRCh38, 1-based): chr9:134,818,428, G>A. VCF-style: chr9-134818428-G-A. GRCh37 (hg19) VCF-style: chr9-137710274-G-A.
Other names: c.4231-228G>A (NM_001278074.1).
Identifiers: ClinVar variation 678596 (VCV000678596.2), dbSNP rs77174824, ClinGen allele CA201096733.